The following is an entry in ClinVar:

NM_001103.4(ACTN2):c.-22C>T

Gene: ACTN2 (actinin alpha 2; plus strand). Cytogenetic location: 1q43.
Variant type: single nucleotide variant.
Coding change: c.-22C>T on transcript NM_001103.4 (MANE Select); 22 bases upstream of the start codon, C replaced by T.
Molecular consequence: 5 prime UTR variant.
Genome position (GRCh38, 1-based): chr1:236,686,652, C>T. VCF-style: chr1-236686652-C-T. GRCh37 (hg19) VCF-style: chr1-236849952-C-T.
Other names: c.-22C>T (NM_001278343.2); c.-843C>T (NM_001278344.2).
Identifiers: ClinVar variation 136287 (VCV000136287.9), dbSNP rs138279482, ClinGen allele CA333047.

ClinVar aggregate classification (germline): Benign/Likely benign. Review status: criteria provided, multiple submitters, no conflicts (2 of 4 stars). 5 submissions from 5 submitters: Benign (2); Likely benign (1). 2 of the submissions do not count toward it. Last evaluated 2015-09-21.

Conditions:
Dilated cardiomyopathy 1AA (CMD1AA). Also called: CARDIOMYOPATHY, DILATED, 1AA, WITH OR WITHOUT LEFT VENTRICULAR NONCOMPACTION; CARDIOMYOPATHY, FAMILIAL HYPERTROPHIC, 23, WITH OR WITHOUT LEFT VENTRICULAR NONCOMPACTION; Cardiomyopathy, dilated, 1AA, with or without LVNC. Identifiers: Orphanet 154, MedGen C2677338, MONDO:0012808, OMIM 612158.

Allele frequency attached by ClinVar (database versions not stated): 1000 Genomes Project 30x 0.01156; 1000 Genomes Project 0.01158; gnomAD 0.02291 and 0.02321; TOPMed 0.02334; ExAC 0.02615; gnomAD exomes 0.02622 and 0.03225; ESP Exome Variant Server 0.02893.
gnomAD v4.1: 48,538 of 1,546,342 alleles (3.1%); highest among the groups gnomAD compares: Middle Eastern, 7.3%; 940 homozygotes.

Submissions (5):

Clinical Genetics DNA and cytogenetics Diagnostics Lab, Erasmus MC, Erasmus Medical Center
Classification: Benign for Dilated cardiomyopathy 1AA. Last evaluated: 2015-09-21. Review status: criteria provided, single submitter. Criteria: ACGS Guidelines, 2013. Collection method: clinical testing. Allele origin: germline. Affected: yes. Study: VKGL Data-share Consensus.

GeneDx
Classification: Benign. Last evaluated: 2013-01-16. Review status: criteria provided, single submitter. Criteria: GeneDx Variant Classification (06012015). Collection method: clinical testing. Allele origin: germline. Affected: yes.
Comment: This variant is considered likely benign or benign based on one or more of the following criteria: it is a conservative change, it occurs at a poorly conserved position in the protein, it is predicted to be benign by multiple in silico algorithms, and/or has population frequency not consistent with disease.

Breakthrough Genomics
Classification: Likely benign. Review status: criteria provided, single submitter. Criteria: ACMG Guidelines, 2015. Collection method: not provided. Allele origin: germline. Inheritance: Autosomal dominant inheritance. Affected: yes.

Diagnostic Laboratory, Department of Genetics, University Medical Center Groningen
Classification: Benign for Dilated cardiomyopathy 1AA. Review status: no assertion criteria provided. Collection method: clinical testing. Allele origin: germline. Affected: yes. Study: VKGL Data-share Consensus. Not counted in ClinVar's aggregate classification.

Joint Genome Diagnostic Labs from Nijmegen and Maastricht, Radboudumc and MUMC+
Classification: Benign. Review status: no assertion criteria provided. Collection method: clinical testing. Allele origin: germline. Affected: yes. Study: VKGL Data-share Consensus. Not counted in ClinVar's aggregate classification.